The following is an entry in ClinVar:

NM_013266.4(CTNNA3):c.1937G>A (p.Arg646His)

Genes: CTNNA3 (catenin alpha 3; minus strand), CTNNA3-AS1 (CTNNA3 antisense RNA 1; plus strand). Cytogenetic location: 10q21.3.
Variant type: single nucleotide variant.
Coding change: c.1937G>A on transcript NM_013266.4 (MANE Select); coding-DNA position 1937, G replaced by A.
Protein change: p.Arg646His; replaces arginine 646 with histidine.
Molecular consequence: missense variant.
Genome position (GRCh38, 1-based): chr10:66,103,197, C>T on the plus strand (G>A on the coding strand, the complement: CTNNA3 is on the minus strand). VCF-style: chr10-66103197-C-T. GRCh37 (hg19) VCF-style: chr10-67862955-C-T.
Other names: c.1937G>A, p.Arg646His (NM_001127384.3); short protein forms R646H.
Identifiers: ClinVar variation 1085062 (VCV001085062.12), dbSNP rs370269225, ClinGen allele CA5519754.

ClinVar aggregate classification (germline): Conflicting classifications of pathogenicity. Review status: criteria provided, conflicting classifications (1 of 4 stars). 3 submissions from 3 submitters: Uncertain significance (1); Likely benign (2). Last evaluated 2025-06-22.

Conditions:
Arrhythmogenic right ventricular dysplasia 13. Also called: ARRHYTHMOGENIC RIGHT VENTRICULAR CARDIOMYOPATHY 13; Arrhythmogenic right ventricular dysplasia, familial, 13. Identifiers: MedGen C3810138, MONDO:0000908, OMIM 615616.
Congenital heart disease (CHD). Identifiers: MedGen C0152021, MONDO:0005453. Disease mechanism: unknown.

Allele frequency attached by ClinVar (database versions not stated): TOPMed 0.00002; gnomAD 0.00007; ESP Exome Variant Server 0.00008; gnomAD exomes 0.00017 and 0.00028; ExAC 0.00029; 1000 Genomes Project 0.00060; 1000 Genomes Project 30x 0.00062.
gnomAD v4.1: 256 of 1,614,076 alleles (0.016%); highest among the groups gnomAD compares: South Asian, 0.22%; 2 homozygotes.

Submissions (3):

Labcorp Genetics (formerly Invitae), Labcorp
Classification: Likely benign for Arrhythmogenic right ventricular dysplasia 13. Last evaluated: 2025-06-22. Review status: criteria provided, single submitter. Criteria: Invitae Variant Classification Sherloc (09022015). Collection method: clinical testing. Allele origin: germline.

Ambry Genetics
Classification: Uncertain significance. Last evaluated: 2024-03-17. Review status: criteria provided, single submitter. Criteria: Ambry Variant Classification Scheme 2023. Collection method: clinical testing. Allele origin: germline.
Comment: The p.R646H variant (also known as c.1937G>A), located in coding exon 13 of the CTNNA3 gene, results from a G to A substitution at nucleotide position 1937. The arginine at codon 646 is replaced by histidine, an amino acid with highly similar properties. This amino acid position is conserved. In addition, this alteration is predicted to be tolerated by in silico analysis. Since supporting evidence is limited at this time, the clinical significance of this alteration remains unclear.

Department of Pathology and Laboratory Medicine, Sinai Health System
Classification: Likely benign for congenital heart disease. Last evaluated: 2022-06-13. Review status: criteria provided, single submitter. Criteria: ACMG Guidelines, 2015. Collection method: research. Allele origin: germline.